The following is an entry in ClinVar:

NM_020778.5(ALPK3):c.1192A>G (p.Lys398Glu)

Gene: ALPK3 (alpha kinase 3; plus strand). Cytogenetic location: 15q25.3.
Variant type: single nucleotide variant.
Coding change: c.1192A>G on transcript NM_020778.5 (MANE Select); coding-DNA position 1192, A replaced by G.
Protein change: p.Lys398Glu; replaces lysine 398 with glutamic acid.
Molecular consequence: missense variant.
Genome position (GRCh38, 1-based): chr15:84,840,471, A>G. VCF-style: chr15-84840471-A-G. GRCh37 (hg19) VCF-style: chr15-85383702-A-G.
Other names: short protein forms K398E.
Identifiers: ClinVar variation 1780295 (VCV001780295.2), dbSNP rs2505706194, ClinGen allele CA393374732.

ClinVar aggregate classification (germline): Uncertain significance (1 of 4 stars; one submission).

Conditions:
Cardiovascular phenotype. Identifiers: MedGen CN230736.

Submission:

Ambry Genetics
Classification: Uncertain significance for Cardiovascular phenotype. Last evaluated: 2022-02-10. Review status: criteria provided, single submitter. Criteria: Ambry Variant Classification Scheme 2023. Collection method: clinical testing. Allele origin: germline.
Comment: The p.K600E variant (also known as c.1798A>G), located in coding exon 5 of the ALPK3 gene, results from an A to G substitution at nucleotide position 1798. The lysine at codon 600 is replaced by glutamic acid, an amino acid with similar properties. This amino acid position is conserved. In addition, this alteration is predicted to be tolerated by in silico analysis. Since supporting evidence is limited at this time, the clinical significance of this alteration remains unclear.